The following is an entry in ClinVar:

ClinVar aggregate classification (germline): Uncertain significance. Review status: criteria provided, multiple submitters, no conflicts (2 of 4 stars). 2 submissions from 2 submitters: Uncertain significance (2). Last evaluated 2025-11-15.

Conditions:
Inborn genetic diseases. Identifiers: MedGen C0950123, MeSH D030342.

Submissions (2):

Labcorp Genetics (formerly Invitae), Labcorp
Classification: Uncertain significance. Last evaluated: 2025-11-15. Review status: criteria provided, single submitter. Criteria: Invitae Variant Classification Sherloc (09022015). Collection method: clinical testing. Allele origin: germline.
Comment: This sequence change replaces arginine, which is basic and polar, with leucine, which is neutral and non-polar, at codon 1895 of the MYO18B protein (p.Arg1895Leu). This variant is present in population databases (rs370592345, gnomAD 0.004%). This variant has not been reported in the literature in individuals affected with MYO18B-related conditions. ClinVar contains an entry for this variant (Variation ID: 3611637). An algorithm developed to predict the effect of missense changes on protein structure and function (PolyPhen-2) suggests that this variant is likely to be disruptive. In summary, the available evidence is currently insufficient to determine the role of this variant in disease. Therefore, it has been classified as a Variant of Uncertain Significance.

Ambry Genetics
Classification: Uncertain significance for Inborn genetic diseases. Last evaluated: 2024-12-17. Review status: criteria provided, single submitter. Criteria: Ambry Variant Classification Scheme 2023. Collection method: clinical testing. Allele origin: germline.

NM_032608.7(MYO18B):c.5684G>T (p.Arg1895Leu)

Gene: MYO18B (myosin XVIIIB; plus strand). Cytogenetic location: 22q12.1.
Variant type: single nucleotide variant.
Coding change: c.5684G>T on transcript NM_032608.7 (MANE Select); coding-DNA position 5684, G replaced by T.
Protein change: p.Arg1895Leu; replaces arginine 1895 with leucine.
Molecular consequence: missense variant.
Genome position (GRCh38, 1-based): chr22:25,947,764, G>T. VCF-style: chr22-25947764-G-T. GRCh37 (hg19) VCF-style: chr22-26343730-G-T.
Other names: c.5684G>T (NM_032608.5); c.5687G>T, p.Arg1896Leu (NM_001318245.2); short protein forms R1895L, R1896L.
Identifiers: ClinVar variation 3611637 (VCV003611637.3).